The following is an entry in ClinVar:

ClinVar aggregate classification (germline): Likely benign (0 of 4 stars; one submission).

Conditions:
SEMA3C-related disorder. Also called: SEMA3C-related condition.

gnomAD v4.1: 2 of 1,613,880 alleles (0.00012%); highest among the groups gnomAD compares: South Asian, 0.0011%; no homozygotes.

Submission:

PreventionGenetics, part of Exact Sciences
Classification: Likely benign for SEMA3C-related condition. Last evaluated: 2023-05-02. Review status: no assertion criteria provided. Collection method: clinical testing. Allele origin: germline.
Comment: This variant is classified as likely benign based on ACMG/AMP sequence variant interpretation guidelines (Richards et al. 2015 PMID: 25741868, with internal and published modifications).

NM_006379.5(SEMA3C):c.1392T>C (p.Thr464=)

Gene: SEMA3C (semaphorin 3C; minus strand). Cytogenetic location: 7q21.11.
Variant type: single nucleotide variant.
Coding change: c.1392T>C on transcript NM_006379.5 (MANE Select); coding-DNA position 1392, T replaced by C.
Protein change: p.Thr464=; no amino-acid change (threonine 464 retained).
Molecular consequence: synonymous variant.
Genome position (GRCh38, 1-based): chr7:80,765,206, A>G on the plus strand (T>C on the coding strand, the complement: SEMA3C is on the minus strand). VCF-style: chr7-80765206-A-G. GRCh37 (hg19) VCF-style: chr7-80394522-A-G.
Other names: c.1446T>C, p.Thr482= (NM_001350120.2); c.1218T>C, p.Thr406= (NM_001350121.2).
Identifiers: ClinVar variation 3356632 (VCV003356632.1).